The following is an entry in ClinVar:

NM_000535.7(PMS2):c.349C>A (p.Leu117Met)

Gene: PMS2 (PMS1 homolog 2, mismatch repair system component; minus strand). Cytogenetic location: 7p22.1.
Variant type: single nucleotide variant.
Coding change: c.349C>A on transcript NM_000535.7 (MANE Select); coding-DNA position 349, C replaced by A.
Protein change: p.Leu117Met; replaces leucine 117 with methionine.
Molecular consequence: missense variant. On other transcripts: 5 prime UTR variant (9), non-coding transcript variant (1), intron variant (2).
Genome position (GRCh38, 1-based): chr7:6,003,694, G>T on the plus strand (C>A on the coding strand, the complement: PMS2 is on the minus strand). VCF-style: chr7-6003694-G-T. GRCh37 (hg19) VCF-style: chr7-6043325-G-T.
Other names: c.-57C>A (NM_001322003.2, NM_001322004.2, NM_001322005.2 and 3 more transcripts); c.349C>A, p.Leu117Met (NM_001322006.2, NM_001322014.2); c.-536C>A (NM_001322011.2, NM_001322012.2); c.-136C>A (NM_001322015.2); c.35+278C>A (NM_001322008.2, NM_001322007.2); short protein forms L117M.
Identifiers: ClinVar variation 455713 (VCV000455713.9), dbSNP rs1554304592, ClinGen allele CA366744532.

ClinVar aggregate classification (germline): Uncertain significance. Review status: criteria provided, multiple submitters, no conflicts (2 of 4 stars). 2 submissions from 2 submitters: Uncertain significance (2). Last evaluated 2024-02-25.

Conditions:
Hereditary nonpolyposis colorectal neoplasms. Identifiers: MedGen C0009405, MeSH D003123.
Hereditary cancer-predisposing syndrome. Also called: Hereditary Cancer Syndrome; Hereditary neoplastic syndrome; Neoplastic Syndromes, Hereditary; Tumor predisposition. Identifiers: Orphanet 140162, MedGen C0027672, MeSH D009386, MONDO:0015356.

Submissions (2):

Ambry Genetics
Classification: Uncertain significance for Hereditary cancer-predisposing syndrome. Last evaluated: 2024-02-25. Review status: criteria provided, single submitter. Criteria: Ambry Variant Classification Scheme 2023. Collection method: clinical testing. Allele origin: germline.
Comment: The p.L117M variant (also known as c.349C>A), located in coding exon 4 of the PMS2 gene, results from a C to A substitution at nucleotide position 349. The leucine at codon 117 is replaced by methionine, an amino acid with highly similar properties. This amino acid position is conserved. In addition, the in silico prediction for this alteration is inconclusive. Based on the available evidence, the clinical significance of this alteration remains unclear.

Labcorp Genetics (formerly Invitae), Labcorp
Classification: Uncertain significance for Hereditary nonpolyposis colorectal neoplasms. Last evaluated: 2023-06-09. Review status: criteria provided, single submitter. Criteria: Invitae Variant Classification Sherloc (09022015). Collection method: clinical testing. Allele origin: germline.
Comment: Advanced modeling of protein sequence and biophysical properties (such as structural, functional, and spatial information, amino acid conservation, physicochemical variation, residue mobility, and thermodynamic stability) performed at Invitae indicates that this missense variant is expected to disrupt PMS2 protein function. This sequence change replaces leucine, which is neutral and non-polar, with methionine, which is neutral and non-polar, at codon 117 of the PMS2 protein (p.Leu117Met). This variant is not present in population databases (gnomAD no frequency). This variant has not been reported in the literature in individuals affected with PMS2-related conditions. ClinVar contains an entry for this variant (Variation ID: 455713). In summary, the available evidence is currently insufficient to determine the role of this variant in disease. Therefore, it has been classified as a Variant of Uncertain Significance.